The following is an entry in ClinVar:

ClinVar aggregate classification (germline): Likely benign. Review status: criteria provided, multiple submitters, no conflicts (2 of 4 stars). 2 submissions from 2 submitters: Likely benign (2). Last evaluated 2025-08-15.

Conditions:
Lipodystrophy, partial, acquired, susceptibility to (APLD). Also called: APLD, SUSCEPTIBILITY TO. Identifiers: MedGen C3887501, MONDO:0100476, OMIM 608709.
Progressive myoclonic epilepsy type 9. Identifiers: Orphanet 457265, MedGen C4225289, MONDO:0014685, OMIM 616540.

Allele frequency attached by ClinVar (database versions not stated): TOPMed below 0.00001; ExAC 0.00001.
gnomAD v4.1: 2 of 1,612,180 alleles (0.00012%); highest among the groups gnomAD compares: Non-Finnish European, 0.00017%; no homozygotes.

Submissions (2):

Labcorp Genetics (formerly Invitae), Labcorp
Classification: Likely benign for Progressive myoclonic epilepsy type 9; Lipodystrophy, partial, acquired, susceptibility to. Last evaluated: 2025-08-15. Review status: criteria provided, single submitter. Criteria: Invitae Variant Classification Sherloc (09022015). Collection method: clinical testing. Allele origin: germline.

CeGaT Center for Human Genetics Tuebingen
Classification: Likely benign. Last evaluated: 2022-08-01. Review status: criteria provided, single submitter. Criteria: CeGaT Center For Human Genetics Tuebingen Variant Classification Criteria Version 2. Collection method: clinical testing. Allele origin: germline. Affected: yes. Observed: 1 variant allele.
Comment: LMNB2: BP4, BP7

NM_032737.4(LMNB2):c.1365C>G (p.Gly455=)

Gene: LMNB2 (lamin B2; minus strand). Cytogenetic location: 19p13.3.
Variant type: single nucleotide variant.
Coding change: c.1365C>G on transcript NM_032737.4 (MANE Select); coding-DNA position 1365, C replaced by G.
Protein change: p.Gly455=; no amino-acid change (glycine 455 retained).
Molecular consequence: synonymous variant.
Genome position (GRCh38, 1-based): chr19:2,433,943, G>C on the plus strand (C>G on the coding strand, the complement: LMNB2 is on the minus strand). VCF-style: chr19-2433943-G-C. GRCh37 (hg19) VCF-style: chr19-2433941-G-C.
Identifiers: ClinVar variation 2143129 (VCV002143129.28), dbSNP rs746360666, ClinGen allele CA9067516.